The following is an entry in ClinVar:

NM_007078.3(LDB3):c.1676G>A (p.Arg559Gln)

Gene: LDB3 (LIM domain binding 3; plus strand). Cytogenetic location: 10q23.2.
Variant type: single nucleotide variant.
Coding change: c.1676G>A on transcript NM_007078.3 (MANE Select); coding-DNA position 1676, G replaced by A.
Protein change: p.Arg559Gln; replaces arginine 559 with glutamine.
Molecular consequence: missense variant.
Genome position (GRCh38, 1-based): chr10:86,716,771, G>A. VCF-style: chr10-86716771-G-A. GRCh37 (hg19) VCF-style: chr10-88476528-G-A.
Other names: c.1346G>A, p.Arg449Gln (NM_001080114.2); c.1691G>A, p.Arg564Gln (NM_001171610.2); c.1487G>A, p.Arg496Gln (NM_001368064.1, NM_001368065.1); c.1535G>A, p.Arg512Gln (NM_001368066.1); c.1676G>A (LRG_385t1); short protein forms R564Q, R559Q, R449Q, R512Q, R496Q.
Identifiers: ClinVar variation 464285 (VCV000464285.21), dbSNP rs763908636, ClinGen allele CA5585201.

ClinVar aggregate classification (germline): Uncertain significance. Review status: criteria provided, multiple submitters, no conflicts (2 of 4 stars). 7 submissions from 7 submitters: Uncertain significance (7). Last evaluated 2025-05-06.

Conditions:
Dilated cardiomyopathy 1C (CMD1C). Also called: CARDIOMYOPATHY, DILATED, 1C, WITH OR WITHOUT LEFT VENTRICULAR NONCOMPACTION; Cardiomyopathy, dilated, 1C, with or without LVNC. Identifiers: Orphanet 154, Orphanet 54260, MedGen C1832244, MONDO:0011094, OMIM 601493.
Myofibrillar myopathy 4. Also called: Zaspopathy (type). Identifiers: Orphanet 98912, MedGen C4721886, MONDO:0012277, OMIM 609452.
Cardiovascular phenotype. Identifiers: MedGen CN230736.
Cardiomyopathy (CMYO). Also called: Cardiomyopathies. Identifiers: Orphanet 167848, MedGen C0878544, MONDO:0004994, HP:0001638. Inheritance: Various modes of inheritance.

Allele frequency attached by ClinVar (database versions not stated): gnomAD exomes 0.00002 and 0.00001; gnomAD 0.00008 and 0.00005; TOPMed 0.00008; ExAC 0.00003.
gnomAD v4.1: 32 of 1,604,594 alleles (0.002%); highest among the groups gnomAD compares: African/African-American, 0.02%; no homozygotes.

Submissions (7):

Labcorp Genetics (formerly Invitae), Labcorp
Classification: Uncertain significance for Myofibrillar myopathy 4. Last evaluated: 2025-05-06. Review status: criteria provided, single submitter. Criteria: Invitae Variant Classification Sherloc (09022015). Collection method: clinical testing. Allele origin: germline.
Comment: The LDB3 gene has multiple clinically relevant transcripts. This variant occurs in alternate transcript NM_007078.3, and corresponds to NM_001080116.1:c.*17397G>A in the primary transcript. This sequence change replaces arginine, which is basic and polar, with glutamine, which is neutral and polar, at codon 559 of the LDB3 protein (p.Arg559Gln). This variant also falls at the last nucleotide of exon 10, which is part of the consensus splice site for this exon. This variant is present in population databases (rs763908636, gnomAD 0.02%). This missense change has been observed in individual(s) with sudden unexpected death in infancy (PMID: 26350513). ClinVar contains an entry for this variant (Variation ID: 464285). Experimental studies and prediction algorithms are not available or were not evaluated, and the functional significance of this variant is currently unknown. Variants that disrupt the consensus splice site are a relatively common cause of aberrant splicing (PMID: 17576681, 9536098). In summary, the available evidence is currently insufficient to determine the role of this variant in disease. Therefore, it has been classified as a Variant of Uncertain Significance.

Blueprint Genetics
Classification: Uncertain significance. Last evaluated: 2024-07-19. Review status: criteria provided, single submitter. Criteria: ACMG Guidelines, 2015. Collection method: clinical testing. Allele origin: germline.

Ambry Genetics
Classification: Uncertain significance for Cardiovascular phenotype. Last evaluated: 2024-05-03. Review status: criteria provided, single submitter. Criteria: Ambry Variant Classification Scheme 2023. Collection method: clinical testing. Allele origin: germline.
Comment: The p.R559Q variant (also known as c.1676G>A), located in coding exon 9 of the LDB3 gene, results from a G to A substitution at nucleotide position 1676. The amino acid change results in arginine to glutamine at codon 559, an amino acid with highly similar properties. However, this change occurs in the last base pair of coding exon 9, which makes it likely to have some effect on normal mRNA splicing. This variant was reported (as NM_001171610.1:c.1691G>A) in a sudden infant death case; however, clinical details were limited and has been reported in a cardiomyopathy cohort (Hertz CL et al. Eur. J. Hum. Genet., 2016 06;24:817-22; Akinrinade O et al. J Cardiovasc Transl Res, 2023 Dec;16:1287-1302). This nucleotide position is highly conserved in available vertebrate species. In silico splice site analysis predicts that this alteration may weaken the native splice donor site. This amino acid position is highly conserved in available vertebrate species. In addition, this alteration is predicted to be deleterious by in silico analysis. Since supporting evidence is limited at this time, the clinical significance of this alteration remains unclear.

GeneDx
Classification: Uncertain significance. Last evaluated: 2022-03-17. Review status: criteria provided, single submitter. Criteria: GeneDx Variant Classification Process June 2021. Collection method: clinical testing. Allele origin: germline. Affected: yes.
Comment: Apparently de novo variant (denoted as c.1691G>A (R564Q) due to the use of a different alternate transcript) in a patient with sudden infant death syndrome (SIDS) (Hertz et al., 2016); In silico analysis supports that this missense variant has a deleterious effect on protein structure/function; This variant is associated with the following publications: (PMID: 26350513)

Fulgent Genetics
Classification: Uncertain significance for Dilated cardiomyopathy 1C; Myofibrillar myopathy 4. Last evaluated: 2021-10-05. Review status: criteria provided, single submitter. Criteria: ACMG Guidelines, 2015. Collection method: clinical testing. Allele origin: unknown.

Baylor Genetics
Classification: Uncertain significance for Dilated cardiomyopathy 1C. Last evaluated: 2019-11-04. Review status: criteria provided, single submitter. Criteria: ACMG Guidelines, 2015. Collection method: clinical testing. Allele origin: unknown. Affected: yes.
Comment: This variant was determined to be of uncertain significance according to ACMG Guidelines, 2015 [PMID:25741868].

CHEO Genetics Diagnostic Laboratory, Children's Hospital of Eastern Ontario
Classification: Uncertain significance for Cardiomyopathy. Last evaluated: 2015-11-25. Review status: criteria provided, single submitter. Criteria: ACMG Guidelines, 2015. Collection method: clinical testing. Allele origin: germline. Study: Canadian Open Genetics Repository.

Literature cited by the submitters: PubMed 26350513 (cited by Labcorp Genetics (formerly Invitae), Labcorp and Ambry Genetics); PubMed 17576681 (cited by Labcorp Genetics (formerly Invitae), Labcorp); PubMed 9536098 (cited by Labcorp Genetics (formerly Invitae), Labcorp); PubMed 37477868 (cited by Ambry Genetics).